The following is an entry in ClinVar:

NM_003190.5(TAPBP):c.1172C>G (p.Ala391Gly)

Gene: TAPBP (TAP binding protein; minus strand). Cytogenetic location: 6p21.32.
Variant type: single nucleotide variant.
Coding change: c.1172C>G on transcript NM_003190.5 (MANE Select); coding-DNA position 1172, C replaced by G.
Protein change: p.Ala391Gly; replaces alanine 391 with glycine.
Molecular consequence: missense variant.
Genome position (GRCh38, 1-based): chr6:33,304,335, G>C on the plus strand (C>G on the coding strand, the complement: TAPBP is on the minus strand). VCF-style: chr6-33304335-G-C. GRCh37 (hg19) VCF-style: chr6-33272112-G-C.
Other names: c.1172C>G, p.Ala391Gly (NM_001410875.1, NM_172208.3); c.911C>G, p.Ala304Gly (NM_172209.3); short protein forms A304G, A391G.
Identifiers: ClinVar variation 1906077 (VCV001906077.5), dbSNP rs201263636, ClinGen allele CA3755708.
Genomic context (GRCh38, chr6:33,304,335, plus strand): 5'-CCGCAGAGCTCCCAGCTCTTACCTGCTACCTCCAGGGTGACCTCAGCGCTGCGCCCCGAG[G>C]CAGGCAGGCTGGGATGGTGAATTCGACAGGCATAGCGTGCCCCATGCTGCTCAGTGGTGA-3'
Protein context (NP_003181.3, residues 381-401): ACRIHHPSLP[Ala391Gly]SGRSAEVTLE

ClinVar aggregate classification (germline): Uncertain significance (1 of 4 stars; one submission).

Conditions:
MHC class I deficiency. Identifiers: Orphanet 34592, MedGen C6024714, MONDO:0011476.

Allele frequency attached by ClinVar (database versions not stated): ExAC 0.00004; gnomAD 0.00004; gnomAD exomes 0.00005; 1000 Genomes Project 30x 0.00016; 1000 Genomes Project 0.00020.
gnomAD v4.1: 39 of 1,608,492 alleles (0.0024%); highest among the groups gnomAD compares: Non-Finnish European, 0.000085%; no homozygotes.

Submission:

Labcorp Genetics (formerly Invitae), Labcorp
Classification: Uncertain significance for MHC class I deficiency 1. Last evaluated: 2022-03-10. Review status: criteria provided, single submitter. Criteria: Invitae Variant Classification Sherloc (09022015). Collection method: clinical testing. Allele origin: germline.
Comment: In summary, the available evidence is currently insufficient to determine the role of this variant in disease. Therefore, it has been classified as a Variant of Uncertain Significance. Algorithms developed to predict the effect of missense changes on protein structure and function (SIFT, PolyPhen-2, Align-GVGD) all suggest that this variant is likely to be tolerated. This variant has not been reported in the literature in individuals affected with TAPBP-related conditions. The frequency data for this variant in the population databases is considered unreliable, as metrics indicate poor data quality at this position in the gnomAD database. This sequence change replaces alanine, which is neutral and non-polar, with glycine, which is neutral and non-polar, at codon 391 of the TAPBP protein (p.Ala391Gly).